The following is an entry in ClinVar:

NM_001164508.2(NEB):c.7861G>A (p.Asp2621Asn)

Gene: NEB (nebulin; minus strand). Cytogenetic location: 2q23.3.
Variant type: single nucleotide variant.
Coding change: c.7861G>A on transcript NM_001164508.2 (MANE Select); coding-DNA position 7861, G replaced by A.
Protein change: p.Asp2621Asn; replaces aspartic acid 2621 with asparagine.
Molecular consequence: missense variant.
Genome position (GRCh38, 1-based): chr2:151,643,913, C>T on the plus strand (G>A on the coding strand, the complement: NEB is on the minus strand). VCF-style: chr2-151643913-C-T. GRCh37 (hg19) VCF-style: chr2-152500427-C-T.
Other names: c.7861G>A, p.Asp2621Asn (NM_001164507.2, NM_001271208.2, NM_004543.5); c.7861G>A (NM_004543.4); short protein forms D2621N.
Identifiers: ClinVar variation 198003 (VCV000198003.12), dbSNP rs781745506, ClinGen allele CA246464.

ClinVar aggregate classification (germline): Uncertain significance. Review status: criteria provided, multiple submitters, no conflicts (2 of 4 stars). 5 submissions from 5 submitters: Uncertain significance (4). 1 of the submissions does not count toward it. Last evaluated 2024-08-01.

Conditions:
Nemaline myopathy 2 (NEM2). Also called: Nemaline myopathy 2, autosomal recessive. Identifiers: MedGen C1850569, MONDO:0009725, OMIM 256030.
Arthrogryposis multiplex congenita 6. Identifiers: MedGen C5543431, MONDO:0030281, OMIM 619334.
Inborn genetic diseases. Identifiers: MedGen C0950123, MeSH D030342.

Allele frequency attached by ClinVar (database versions not stated): gnomAD exomes 0.00002 and 0.00008; TOPMed 0.00007; ExAC 0.00007; gnomAD 0.00005.
gnomAD v4.1: 40 of 1,613,830 alleles (0.0025%); highest among the groups gnomAD compares: Admixed American, 0.04%; no homozygotes.

Submissions (5):

Ambry Genetics
Classification: Uncertain significance for Inborn genetic diseases. Last evaluated: 2024-08-01. Review status: criteria provided, single submitter. Criteria: Ambry Variant Classification Scheme 2023. Collection method: clinical testing. Allele origin: germline.

Labcorp Genetics (formerly Invitae), Labcorp
Classification: Uncertain significance for Nemaline myopathy 2. Last evaluated: 2022-07-19. Review status: criteria provided, single submitter. Criteria: Invitae Variant Classification Sherloc (09022015). Collection method: clinical testing. Allele origin: germline.
Comment: This sequence change replaces aspartic acid, which is acidic and polar, with asparagine, which is neutral and polar, at codon 2621 of the NEB protein (p.Asp2621Asn). This variant is present in population databases (rs781745506, gnomAD 0.06%). This variant has not been reported in the literature in individuals affected with NEB-related conditions. ClinVar contains an entry for this variant (Variation ID: 198003). Algorithms developed to predict the effect of missense changes on protein structure and function are either unavailable or do not agree on the potential impact of this missense change (SIFT: "Deleterious"; PolyPhen-2: "Not Available"; Align-GVGD: "Class C0"). In summary, the available evidence is currently insufficient to determine the role of this variant in disease. Therefore, it has been classified as a Variant of Uncertain Significance.

Fulgent Genetics
Classification: Uncertain significance for Nemaline myopathy 2; Arthrogryposis multiplex congenita 6. Last evaluated: 2021-12-02. Review status: criteria provided, single submitter. Criteria: ACMG Guidelines, 2015. Collection method: clinical testing. Allele origin: unknown.

Eurofins Ntd Llc (ga)
Classification: Uncertain significance. Last evaluated: 2014-07-11. Review status: criteria provided, single submitter. Criteria: EGL Classification Definitions 2015. Collection method: clinical testing. Allele origin: germline. Observed: 2 variant alleles, 2 heterozygotes.

Natera, Inc.
Classification: Uncertain significance for Nemaline myopathy type 2. Last evaluated: 2019-11-11. Review status: no assertion criteria provided. Collection method: clinical testing. Allele origin: germline. Not counted in ClinVar's aggregate classification.